The following is an entry in ClinVar:

ClinVar aggregate classification (germline): Benign (1 of 4 stars; one submission).

Conditions:
Thyroid hormone resistance, generalized, autosomal dominant (GRTHD). Also called: HYPERTHYROXINEMIA, FAMILIAL EUTHYROID, SECONDARY TO PITUITARY AND PERIPHERAL RESISTANCE TO THYROID HORMONES. Identifiers: MedGen C2937288, MONDO:0008569, OMIM 188570.

Allele frequency attached by ClinVar (database versions not stated): 1000 Genomes Project 30x 0.00109; 1000 Genomes Project 0.00140; gnomAD 0.00170 and 0.00183; TOPMed 0.00191.

Submission:

Illumina Laboratory Services, Illumina
Classification: Benign for Thyroid hormone resistance, generalized, autosomal dominant. Last evaluated: 2018-01-13. Review status: criteria provided, single submitter. Criteria: ICSL Variant Classification Criteria 13 December 2019. Collection method: clinical testing. Allele origin: germline.
Comment: This variant was observed in the ICSL laboratory as part of a predisposition screen in an ostensibly healthy population. It had not been previously curated by ICSL or reported in the Human Gene Mutation Database (HGMD: prior to June 1st, 2018), and was therefore a candidate for classification through an automated scoring system. Utilizing variant allele frequency, disease prevalence and penetrance estimates, and inheritance mode, an automated score was calculated to assess if this variant is too frequent to cause the disease. Based on the score and internal cut-off values, a variant classified as benign is not then subjected to further curation. The score for this variant resulted in a classification of benign for this disease.

NM_001354712.2(THRB):c.*3459C>T

Gene: THRB (thyroid hormone receptor beta; minus strand). Cytogenetic location: 3p24.2.
Variant type: single nucleotide variant.
Coding change: c.*3459C>T on transcript NM_001354712.2 (MANE Select); 3459 bases downstream of the stop codon, C replaced by T.
Molecular consequence: 3 prime UTR variant.
Genome position (GRCh38, 1-based): chr3:24,119,425, G>A on the plus strand (C>T on the coding strand, the complement: THRB is on the minus strand). VCF-style: chr3-24119425-G-A. GRCh37 (hg19) VCF-style: chr3-24160916-G-A.
Other names: c.*3459C>T (NM_000461.5, NM_001128176.3, NM_001128177.2 and 8 more transcripts).
Identifiers: ClinVar variation 344576 (VCV000344576.5), dbSNP rs554571353, ClinGen allele CA10615520.